The following is an entry in ClinVar:

NM_005633.4(SOS1):c.2391-12T>A

Gene: SOS1 (SOS Ras/Rac guanine nucleotide exchange factor 1; minus strand). Cytogenetic location: 2p22.1.
Variant type: single nucleotide variant.
Coding change: c.2391-12T>A on transcript NM_005633.4 (MANE Select); 12 bases into the intron before coding-DNA position 2391, T replaced by A.
Molecular consequence: intron variant.
Genome position (GRCh38, 1-based): chr2:39,010,715, A>T on the plus strand (T>A on the coding strand, the complement: SOS1 is on the minus strand). VCF-style: chr2-39010715-A-T. GRCh37 (hg19) VCF-style: chr2-39237856-A-T.
Other names: c.2370-12T>A (NM_001382394.1); c.2391-12T>A (NM_001382395.1).
Identifiers: ClinVar variation 4735732 (VCV004735732.1).

ClinVar aggregate classification (germline): Uncertain significance (1 of 4 stars; one submission).

Conditions:
RASopathy. Also called: rasopathies; Noonan spectrum disorder. Identifiers: Orphanet 536391, MedGen C5555857, MONDO:0021060.

Submission:

Labcorp Genetics (formerly Invitae), Labcorp
Classification: Uncertain significance for RASopathy. Last evaluated: 2026-01-19. Review status: criteria provided, single submitter. Criteria: Invitae Variant Classification Sherloc (09022015). Collection method: clinical testing. Allele origin: germline.
Comment: This sequence change falls in intron 14 of the SOS1 gene. It does not directly change the encoded amino acid sequence of the SOS1 protein. This variant is not present in population databases (gnomAD no frequency). This variant has not been reported in the literature in individuals affected with SOS1-related conditions. Algorithms developed to predict the effect of sequence changes on RNA splicing suggest that this variant may disrupt the consensus splice site. In summary, the available evidence is currently insufficient to determine the role of this variant in disease. Therefore, it has been classified as a Variant of Uncertain Significance.